The following continues an entry in ClinVar:

NM_001042492.3(NF1):c.3916C>T (p.Arg1306Ter)

Gene: NF1. ClinVar aggregate classification (germline): Pathogenic. Pathogenic (24). ClinVar aggregate classification (oncogenicity): Oncogenic.

Submissions 13 to 26 of 26:

Clinical Genomics Laboratory, Washington University in St. Louis
Classification: Pathogenic for Neurofibromatosis, type 1. Last evaluated: 2023-08-27. Review status: criteria provided, single submitter. Criteria: ACMG Guidelines, 2015. Collection method: clinical testing. Allele origin: germline. Affected: yes.
Comment: The NF1 c.3916C>T (p.Arg1306Ter) variant was identified at near heterozygous allelic fraction. This variant leads to a premature termination codon, which is predicted to lead to nonsense mediated decay. It has been reported in several individuals affected with neurofibromatosis type 1 (Sabbagh A et al., PMID: 23913538; Chen L et al., PMID: 31347283; Wiest V et al., PMID: 14635100; Thomas L et al., PMID: 22108604; Zhu G et al., PMID: 31533797). This variant has been reported as a somatic variant in 13 cases in the cancer database COSMIC and has been reported in the ClinVar database as pathogenic by 12 submitters (ClinVar ID: 404592). The NF1 c.3916C>T (p.Arg1306Ter) variant is absent from the general population (gnomAD v.3.1.2), indicating it is not a common variant. Based on available information, and based on ACMG/AMP guidelines for variant interpretation (Richards S et al., PMID: 25741868), the NF1 c.3916C>T (p.Arg1306Ter) variant is classified as pathogenic and clinically significant.

Baylor Genetics
Classification: Pathogenic for Neurofibromatosis, type 1. Last evaluated: 2023-05-02. Review status: criteria provided, single submitter. Criteria: ACMG Guidelines, 2015. Collection method: clinical testing. Allele origin: unknown.

Baylor Genetics
Classification: Pathogenic for Juvenile myelomonocytic leukemia. Last evaluated: 2023-04-14. Review status: criteria provided, single submitter. Criteria: ACMG Guidelines, 2015. Collection method: clinical testing. Allele origin: unknown.

Genome-Nilou Lab
Classification: Pathogenic for Neurofibromatosis, type 1. Last evaluated: 2022-03-15. Review status: criteria provided, single submitter. Criteria: ACMG Guidelines, 2015. Collection method: clinical testing. Allele origin: germline. Affected: no.

Genome Diagnostics Laboratory, The Hospital for Sick Children
Classification: Pathogenic for Neurofibromatosis, type 1. Last evaluated: 2020-10-26. Review status: criteria provided, single submitter. Criteria: ACMG Guidelines, 2015. Collection method: clinical testing. Allele origin: germline. Affected: yes.

Women's Health and Genetics/Laboratory Corporation of America, LabCorp
Classification: Pathogenic for Neurofibromatosis, type 1. Last evaluated: 2020-08-31. Review status: criteria provided, single submitter. Criteria: LabCorp Variant Classification Summary - May 2015. Collection method: clinical testing. Allele origin: germline.
Comment: Variant summary: NF1 c.3916C>T (p.Arg1306X) results in a premature termination codon, predicted to cause a truncation of the encoded protein or absence of the protein due to nonsense mediated decay, which are commonly known mechanisms for disease. Truncations downstream of this position have been classified as pathogenic by our laboratory. The variant allele was found at a frequency of 4e-06 in 251422 control chromosomes. c.3916C>T has been reported in the literature in multiple individuals affected with Neurofibromatosis Type 1 (Fahsold_2000, Sabbagh_2013). These data indicate that the variant is very likely to be associated with disease. Seven clinical diagnostic laboratories have submitted clinical-significance assessments for this variant to ClinVar after 2014 without evidence for independent evaluation (pathongenic n=6, VUS n=1). Based on the evidence outlined above, the variant was classified as pathogenic.

Athena Diagnostics
Classification: Pathogenic. Last evaluated: 2020-05-14. Review status: criteria provided, single submitter. Criteria: Athena Diagnostics Criteria. Collection method: clinical testing. Allele origin: unknown.
Comment: The variant creates a premature nonsense codon, and is therefore predicted to result in the loss of a functional protein. Found in at least one patient with expected phenotype for this gene, and found in general population data at a frequency that is consistent with pathogenicity.

Quest Diagnostics Nichols Institute San Juan Capistrano
Classification: Pathogenic. Last evaluated: 2020-05-14. Review status: criteria provided, single submitter. Criteria: Quest Diagnostics criteria. Collection method: clinical testing. Allele origin: unknown.
Comment: the same text as in the submission from Athena Diagnostics above.

Clinical Molecular Genetics Laboratory, Johns Hopkins All Children's Hospital
Classification: Pathogenic for Neurofibromatosis, type 1. Last evaluated: 2020-02-03. Review status: criteria provided, single submitter. Criteria: ACMG Guidelines, 2015. Collection method: clinical testing. Allele origin: germline. Inheritance: Autosomal dominant inheritance. Affected: yes. Observed: 1 heterozygote.

The Laboratory of Genetics and Metabolism, Hunan Children’s Hospital
Classification: Pathogenic for Neurofibromatosis, type 1; Tibial pseudoarthrosis. Last evaluated: 2018-11-10. Review status: criteria provided, single submitter. Criteria: ACMG Guidelines, 2015. Collection method: research. Allele origin: de novo. Affected: yes. Observed: 1 variant allele.

Center for Human Genetics, Inc
Classification: Pathogenic for Neurofibromatosis, type 1. Last evaluated: 2016-11-01. Review status: criteria provided, single submitter. Criteria: ACMG Guidelines, 2015. Collection method: clinical testing. Allele origin: germline. Affected: yes.

Clinical Genetics Service, Universitary Hospital 12 de Octubre
Classification: Pathogenic for Neurofibromatosis, type 1. Review status: criteria provided, single submitter. Criteria: ACMG Guidelines, 2015. Collection method: clinical testing. Allele origin: germline. Affected: yes.

Juno Genomics, Hangzhou Juno Genomics, Inc
Classification: Pathogenic for Neurofibromatosis, type 1. Review status: criteria provided, single submitter. Criteria: ACMG Guidelines, 2015. Collection method: clinical testing. Allele origin: germline. Affected: yes.
Comment: Absent from controls (or at extremely low frequency if recessive) in Genome Aggregation Database.;Null variant in a gene where loss of function (LOF) is a known mechanism of disease.;The prevalence of the variant in affected individuals is significantly increased compared to the prevalence in controls.;Patient's phenotype or family history is highly specific for a disease with a single genetic etiology.

Biochemical Molecular Genetic Laboratory, King Abdulaziz Medical City
Classification: Uncertain significance for Neurofibromatosis, type 1. Last evaluated: 2020-02-05. Review status: no assertion criteria provided. Collection method: clinical testing. Allele origin: germline. Affected: yes. Not counted in ClinVar's aggregate classification.

Literature cited by the submitters: PubMed 31533797 (cited by 4 submitters); PubMed 30308447 (cited by 4 submitters); PubMed 31443423 (cited by 3 submitters); PubMed 10712197 (cited by 6 submitters); PubMed 12112660 (cited by 3 submitters); PubMed 12552569 (cited by 3 submitters); PubMed 16835897 (cited by 4 submitters); PubMed 16944272 (cited by 4 submitters); PubMed 23913538 (cited by 3 submitters); PubMed 26969325 (cited by 4 submitters); PubMed 30014477 (cited by 3 submitters); PubMed 31347283 (cited by 3 submitters); PubMed 36612057 (cited by Hema, HEMA – Genetic and Molecular Diagnostic Laboratory); PubMed 37073110 (cited by Hema, HEMA – Genetic and Molecular Diagnostic Laboratory); PubMed 9783703 (cited by 5 submitters); PubMed 15146469 (cited by 3 submitters); PubMed 29957862 (cited by Ambry Genetics); PubMed 16544997 (cited by Athena Diagnostics and Quest Diagnostics Nichols Institute San Juan Capistrano); PubMed 15060124 (cited by Athena Diagnostics and Quest Diagnostics Nichols Institute San Juan Capistrano).